The following is an entry in ClinVar:

ClinVar aggregate classification (germline): Uncertain significance (1 of 4 stars; one submission).

Allele frequency attached by ClinVar (database versions not stated): ExAC 0.00002; gnomAD 0.00003; gnomAD exomes 0.00003; TOPMed 0.00003.
gnomAD v4.1: 52 of 1,610,696 alleles (0.0032%); highest among the groups gnomAD compares: Non-Finnish European, 0.004%; no homozygotes.

Submission:

Labcorp Genetics (formerly Invitae), Labcorp
Classification: Uncertain significance. Last evaluated: 2022-03-12. Review status: criteria provided, single submitter. Criteria: Invitae Variant Classification Sherloc (09022015). Collection method: clinical testing. Allele origin: germline.
Comment: This sequence change replaces arginine, which is basic and polar, with tryptophan, which is neutral and slightly polar, at codon 344 of the IFT52 protein (p.Arg344Trp). This variant is present in population databases (rs754545949, gnomAD 0.004%). In summary, the available evidence is currently insufficient to determine the role of this variant in disease. Therefore, it has been classified as a Variant of Uncertain Significance. Algorithms developed to predict the effect of missense changes on protein structure and function are either unavailable or do not agree on the potential impact of this missense change (SIFT: "Not Available"; PolyPhen-2: "Probably Damaging"; Align-GVGD: "Not Available"). This variant has not been reported in the literature in individuals affected with IFT52-related conditions.

NM_016004.5(IFT52):c.1030C>T (p.Arg344Trp)

Gene: IFT52 (intraflagellar transport 52; plus strand). Cytogenetic location: 20q13.12.
Variant type: single nucleotide variant.
Coding change: c.1030C>T on transcript NM_016004.5 (MANE Select); coding-DNA position 1030, C replaced by T.
Protein change: p.Arg344Trp; replaces arginine 344 with tryptophan.
Molecular consequence: missense variant.
Genome position (GRCh38, 1-based): chr20:43,637,163, C>T. VCF-style: chr20-43637163-C-T. GRCh37 (hg19) VCF-style: chr20-42265803-C-T.
Other names: c.1030C>T, p.Arg344Trp (NM_001303458.3, NM_001303459.3); c.502C>T, p.Arg168Trp (NM_001323578.2, NM_001323580.2); c.379C>T, p.Arg127Trp (NM_001323579.2, NM_001323581.2); short protein forms R344W, R127W, R168W.
Identifiers: ClinVar variation 1973837 (VCV001973837.5), dbSNP rs754545949, ClinGen allele CA9867084.
Genomic context (GRCh38, chr20:43,637,163, plus strand): 5'-TATCCTCCCTCATTTCTAAATAATGACTTTATTTCCTTTTAGGTTTTTCCTCCCAGTTTC[C>T]GGGAGTTACCACCTCCTCCTCTGGAGCTATTTGATTTAGATGAAACGTTCTCCTCTGAGA-3'
Protein context (NP_057088.2, residues 334-354): LQPAVFPPSF[Arg344Trp]ELPPPPLELF